The following is an entry in ClinVar:

ClinVar aggregate classification (germline): Pathogenic/Likely pathogenic. Review status: criteria provided, multiple submitters, no conflicts (2 of 4 stars). 11 submissions from 10 submitters: Pathogenic (7); Likely pathogenic (1). 3 of the submissions do not count toward it. Last evaluated 2026-01-28.

Conditions:
SLC26A4-related disorder. Also called: SLC26A4-related condition; SLC26A4-related disorders.
Pendred syndrome (PDS). Also called: Pendred's syndrome; THYROID DYSHORMONOGENESIS 2B; THYROID HORMONOGENESIS, GENETIC DEFECT IN, 2B; Pendred Syndrome (PDS); DEAFNESS WITH GOITER; GOITER-DEAFNESS SYNDROME. Identifiers: Orphanet 705, MedGen C0271829, MONDO:0010134, OMIM 274600.
Autosomal recessive nonsyndromic hearing loss 4 (DFNB4). Also called: FOXI1-Related Pendred Syndrome; KCNJ10-Related Pendred Syndrome; DEAFNESS, AUTOSOMAL RECESSIVE 4, WITH ENLARGED VESTIBULAR AQUEDUCT, DIGENIC; NEUROSENSORY NONSYNDROMIC RECESSIVE DEAFNESS 4; Deafness, autosomal recessive 4; Enlarged vestibular aqueduct, digenic. Identifiers: Orphanet 90636, MedGen C3538946, MONDO:0010933, OMIM 600791.

Submissions (11):

Labcorp Genetics (formerly Invitae), Labcorp
Classification: Pathogenic. Last evaluated: 2026-01-28. Review status: criteria provided, single submitter. Criteria: Invitae Variant Classification Sherloc (09022015). Collection method: clinical testing. Allele origin: germline.
Comment: This sequence change creates a premature translational stop signal (p.Arg79*) in the SLC26A4 gene. It is expected to result in an absent or disrupted protein product. Loss-of-function variants in SLC26A4 are known to be pathogenic (PMID: 16283880, 25394566, 26252218, 26445815). This variant is not present in population databases (gnomAD no frequency). This premature translational stop signal has been observed in individual(s) with clinical features of SLC26A4-related conditions (PMID: 19648736, 26969326, 32645618, 34416374). ClinVar contains an entry for this variant (Variation ID: 188950). Algorithms developed to predict the effect of sequence changes on RNA splicing suggest that this variant may disrupt the consensus splice site. For these reasons, this variant has been classified as Pathogenic.

Natera, Inc.
Classification: Pathogenic for Pendred syndrome. Last evaluated: 2025-02-27. Review status: criteria provided, single submitter. Criteria: Natera Variant Classification Schema (03/2026). Collection method: clinical testing. Allele origin: germline.
Comment: The c.235C>T variant in SLC26A4 is a nonsense variant predicted to introduce a stop codon at amino acid 79. This variant is expected to result in nonsense mediated decay, truncation, or a dysfunctional protein product. This variant is rare in the general population with a frequency below the threshold expected for the associated phenotype(s). This variant has been observed in one or more individuals affected with the associated recessive disease, as either homozygous or compound heterozygous with a second variant (PMID: 18813951, 37477685). Given the available evidence, this variant is classified as Pathogenic.

Blueprint Genetics
Classification: Pathogenic for SLC26A4-related disorders. Last evaluated: 2024-10-22. Review status: criteria provided, single submitter. Criteria: ACMG Guidelines, 2015. Collection method: clinical testing. Allele origin: germline. Affected: yes. Observed: 3 variant alleles.

Baylor Genetics
Classification: Pathogenic for Autosomal recessive nonsyndromic hearing loss 4. Last evaluated: 2024-03-13. Review status: criteria provided, single submitter. Criteria: ACMG Guidelines, 2015. Collection method: clinical testing. Allele origin: unknown.

Genome-Nilou Lab
Classification: Pathogenic for Autosomal recessive nonsyndromic hearing loss 4. Last evaluated: 2021-09-05. Review status: criteria provided, single submitter. Criteria: ACMG Guidelines, 2015. Collection method: clinical testing. Allele origin: germline. Affected: no.

Genomic Research Center, Shahid Beheshti University of Medical Sciences
Classification: Pathogenic for Enlarged vestibular aqueduct. Last evaluated: 2019-01-01. Review status: criteria provided, single submitter. Criteria: ACMG Guidelines, 2015. Collection method: clinical testing. Allele origin: inherited. Affected: yes.

Genomic Research Center, Shahid Beheshti University of Medical Sciences
Classification: Likely pathogenic for Pendred syndrome. Last evaluated: 2017-12-03. Review status: criteria provided, single submitter. Criteria: ACMG Guidelines, 2015. Collection method: clinical testing. Allele origin: inherited.

Baylor-Hopkins Center for Mendelian Genomics, Johns Hopkins University School of Medicine
Classification: Pathogenic for Autosomal recessive nonsyndromic hearing loss 4. Review status: criteria provided, single submitter. Criteria: ACMG Guidelines, 2015. Collection method: research. Allele origin: unknown. Affected: yes. Observed: 1 variant allele, 1 homozygote.

Genetic Testing Center for Deafness, Department of Otolaryngology Head & Neck Surgery, Institute of Otolaryngology, Chinese PLA General Hospital
Classification: Pathogenic for Autosomal recessive nonsyndromic hearing loss 4. Last evaluated: 2019-02-26. Review status: no assertion criteria provided. Collection method: case-control. Allele origin: inherited. Affected: yes. Observed: 1 variant allele. Not counted in ClinVar's aggregate classification.

Counsyl
Classification: Likely pathogenic for Pendred's syndrome. Last evaluated: 2014-08-28. Review status: no assertion criteria provided. Collection method: literature only. Allele origin: unknown. Inheritance: Autosomal recessive inheritance. Not counted in ClinVar's aggregate classification.

Dr.Nikuei Genetic Center
Classification: Pathogenic for Autosomal recessive nonsyndromic hearing loss 4. Review status: no assertion criteria provided. Collection method: clinical testing. Allele origin: germline. Inheritance: Autosomal recessive inheritance. Affected: yes. Observed: 1 homozygote. Not counted in ClinVar's aggregate classification.

Literature cited by the submitters: PubMed 16283880 (cited by Labcorp Genetics (formerly Invitae), Labcorp); PubMed 25394566 (cited by Labcorp Genetics (formerly Invitae), Labcorp); PubMed 26252218 (cited by Labcorp Genetics (formerly Invitae), Labcorp); PubMed 26445815 (cited by Labcorp Genetics (formerly Invitae), Labcorp); PubMed 19648736 (cited by Labcorp Genetics (formerly Invitae), Labcorp and Counsyl); PubMed 26969326 (cited by Labcorp Genetics (formerly Invitae), Labcorp); PubMed 32645618 (cited by Labcorp Genetics (formerly Invitae), Labcorp); PubMed 34416374 (cited by Labcorp Genetics (formerly Invitae), Labcorp); PubMed 18813951 (cited by Natera, Inc. and Counsyl); PubMed 37477685 (cited by Natera, Inc.); PubMed 19718752 (cited by Counsyl); PubMed 25149764 (cited by Counsyl).

NM_000441.2(SLC26A4):c.235C>T (p.Arg79Ter)

Gene: SLC26A4 (solute carrier family 26 member 4; plus strand). Cytogenetic location: 7q22.3.
Variant type: single nucleotide variant.
Coding change: c.235C>T on transcript NM_000441.2 (MANE Select); coding-DNA position 235, C replaced by T.
Protein change: p.Arg79Ter; replaces arginine 79 with a stop codon.
Molecular consequence: nonsense.
Genome position (GRCh38, 1-based): chr7:107,663,366, C>T. VCF-style: chr7-107663366-C-T. GRCh37 (hg19) VCF-style: chr7-107303811-C-T.
Other names: short protein forms R79*.
Identifiers: ClinVar variation 188950 (VCV000188950.21), dbSNP rs786204581, ClinGen allele CA274174.